The following is an entry in ClinVar:

ClinVar aggregate classification (germline): Uncertain significance (1 of 4 stars; one submission).

Conditions:
Arrhythmogenic cardiomyopathy with wooly hair and keratoderma. Also called: Carvajal syndrome; PALMOPLANTAR KERATODERMA WITH LEFT VENTRICULAR CARDIOMYOPATHY AND WOOLLY HAIR; Dilated cardiomyopathy with woolly hair and keratoderma; Arrhythmogenic cardiomyopathy with woolly hair and keratoderma. Identifiers: Orphanet 65282, MedGen C1854063, MONDO:0011581, OMIM 605676.

Submission:

All of Us Research Program, National Institutes of Health
Classification: Uncertain significance for Arrhythmogenic cardiomyopathy with wooly hair and keratoderma. Last evaluated: 2024-05-30. Review status: criteria provided, single submitter. Criteria: ACMG Guidelines, 2015. Collection method: clinical testing. Allele origin: germline. Inheritance: Autosomal dominant inheritance. Observed: 1 variant allele, 1 heterozygote.
Comment: This missense variant replaces isoleucine with methionine at codon 1224 of the DSP protein. Computational prediction suggests that this variant may not impact protein structure and function (internally defined REVEL score threshold <= 0.5, PMID: 27666373). To our knowledge, functional studies have not been reported for this variant. This variant has not been reported in individuals affected with DSP-related disorders in the literature. This variant has not been identified in the general population by the Genome Aggregation Database (gnomAD). The available evidence is insufficient to determine the role of this variant in disease conclusively. Therefore, this variant is classified as a Variant of Uncertain Significance.

This study involves interpretation of variants in research participants for the purpose of population health screening. Participant phenotype was not available at the time of variant classification. Additional details can be found in publication PMID: 35346344, PMCID: PMC8962531

NM_004415.4(DSP):c.3672A>G (p.Ile1224Met)

Gene: DSP (desmoplakin; plus strand). Cytogenetic location: 6p24.3.
Variant type: single nucleotide variant.
Coding change: c.3672A>G on transcript NM_004415.4 (MANE Select); coding-DNA position 3672, A replaced by G.
Protein change: p.Ile1224Met; replaces isoleucine 1224 with methionine.
Molecular consequence: missense variant. On other transcripts: intron variant (1).
Genome position (GRCh38, 1-based): chr6:7,579,862, A>G. VCF-style: chr6-7579862-A-G. GRCh37 (hg19) VCF-style: chr6-7580095-A-G.
Other names: c.3672A>G, p.Ile1224Met (NM_001319034.2); c.3582+90A>G (NM_001008844.3); short protein forms I1224M.
Identifiers: ClinVar variation 3386666 (VCV003386666.1).